The following is an entry in ClinVar:

ClinVar aggregate classification (germline): Benign. Review status: criteria provided, multiple submitters, no conflicts (2 of 4 stars). 3 submissions from 3 submitters: Benign (3). Last evaluated 2021-11-07.

Conditions:
Gaze palsy, familial horizontal, with progressive scoliosis 1 (HGPPS1). Identifiers: Orphanet 2744, MedGen C4551964, MONDO:0020790, OMIM 607313.

Allele frequency attached by ClinVar (database versions not stated): ESP Exome Variant Server 0.08049; gnomAD 0.08948 and 0.09634; TOPMed 0.09303; gnomAD exomes 0.12358 and 0.12873; 1000 Genomes Project 30x 0.12508; ExAC 0.12693; 1000 Genomes Project 0.12879.
gnomAD v4.1: 195,528 of 1,613,832 alleles (12%); highest among the groups gnomAD compares: East Asian, 29%; 13,613 homozygotes.

Submissions (3):

Genome-Nilou Lab
Classification: Benign for Gaze palsy, familial horizontal, with progressive scoliosis 1. Last evaluated: 2021-11-07. Review status: criteria provided, single submitter. Criteria: ACMG Guidelines, 2015. Collection method: clinical testing. Allele origin: germline. Affected: no.

Illumina Laboratory Services, Illumina
Classification: Benign for Gaze palsy, familial horizontal, with progressive scoliosis 1. Last evaluated: 2018-01-13. Review status: criteria provided, single submitter. Criteria: ICSL Variant Classification Criteria 13 December 2019. Collection method: clinical testing. Allele origin: germline.
Comment: This variant was observed in the ICSL laboratory as part of a predisposition screen in an ostensibly healthy population. It had not been previously curated by ICSL or reported in the Human Gene Mutation Database (HGMD: prior to June 1st, 2018), and was therefore a candidate for classification through an automated scoring system. Utilizing variant allele frequency, disease prevalence and penetrance estimates, and inheritance mode, an automated score was calculated to assess if this variant is too frequent to cause the disease. Based on the score and internal cut-off values, a variant classified as benign is not then subjected to further curation. The score for this variant resulted in a classification of benign for this disease.

Breakthrough Genomics
Classification: Benign. Review status: criteria provided, single submitter. Criteria: ACMG Guidelines, 2015. Collection method: not provided. Allele origin: germline. Inheritance: Autosomal recessive inheritance. Affected: yes.

NM_022370.4(ROBO3):c.1247G>A (p.Arg416His)

Gene: ROBO3 (roundabout guidance receptor 3; plus strand). Cytogenetic location: 11q24.2.
Variant type: single nucleotide variant.
Coding change: c.1247G>A on transcript NM_022370.4 (MANE Select); coding-DNA position 1247, G replaced by A.
Protein change: p.Arg416His; replaces arginine 416 with histidine.
Molecular consequence: missense variant.
Genome position (GRCh38, 1-based): chr11:124,872,469, G>A. VCF-style: chr11-124872469-G-A. GRCh37 (hg19) VCF-style: chr11-124742365-G-A.
Other names: short protein forms R416H.
Identifiers: ClinVar variation 303235 (VCV000303235.8), dbSNP rs3862618, ClinGen allele CA6343444.